The following is an entry in ClinVar:

ClinVar aggregate classification (germline): Conflicting classifications of pathogenicity. Review status: criteria provided, conflicting classifications (1 of 4 stars). 2 submissions from 2 submitters: Uncertain significance (1); Likely benign (1). Last evaluated 2024-08-21.

Conditions:
Frasier syndrome. Identifiers: Orphanet 347, MedGen C0950122, MeSH D052159, MONDO:0007635, OMIM 136680.
Drash syndrome (DDS). Also called: WILMS TUMOR AND PSEUDO- OR TRUE HERMAPHRODITISM; NEPHROPATHY, WILMS TUMOR, AND GENITAL ANOMALIES. Identifiers: Orphanet 220, MedGen C0950121, MONDO:0008682, OMIM 194080.
Wilms tumor 1 (WT1). Also called: Wilms tumor, somatic. Identifiers: Orphanet 654, MedGen CN033288, MONDO:0008679, OMIM 194070.
11p partial monosomy syndrome (WAGR). Also called: WAGR Complex; WAGR Spectrum Disorder; WAGR syndrome; CHROMOSOME 11p13 DELETION SYNDROME. Identifiers: Orphanet 893, MedGen C0206115, MONDO:0008681, OMIM 194072.
Inborn genetic diseases. Identifiers: MedGen C0950123, MeSH D030342.

Allele frequency attached by ClinVar (database versions not stated): ExAC 0.00060.

Submissions (2):

Ambry Genetics
Classification: Likely benign for Inborn genetic diseases. Last evaluated: 2024-08-21. Review status: criteria provided, single submitter. Criteria: Ambry Variant Classification Scheme 2023. Collection method: clinical testing. Allele origin: germline.

Labcorp Genetics (formerly Invitae), Labcorp
Classification: Uncertain significance for Wilms tumor 1; Drash syndrome; 11p partial monosomy syndrome; Frasier syndrome. Last evaluated: 2021-11-23. Review status: criteria provided, single submitter. Criteria: Invitae Variant Classification Sherloc (09022015). Collection method: clinical testing. Allele origin: germline.
Comment: In summary, the available evidence is currently insufficient to determine the role of this variant in disease. Therefore, it has been classified as a Variant of Uncertain Significance. Algorithms developed to predict the effect of missense changes on protein structure and function (SIFT, PolyPhen-2, Align-GVGD) all suggest that this variant is likely to be disruptive. This variant has not been reported in the literature in individuals affected with WT1-related conditions. The frequency data for this variant in the population databases is considered unreliable, as metrics indicate poor data quality at this position in the gnomAD database. This sequence change replaces cysteine, which is neutral and slightly polar, with tryptophan, which is neutral and slightly polar, at codon 270 of the WT1 protein (p.Cys270Trp).

NM_024426.6(WT1):c.825C>G (p.Cys275Trp)

Gene: WT1 (WT1 transcription factor; minus strand). Cytogenetic location: 11p13.
Variant type: single nucleotide variant.
Coding change: c.825C>G on transcript NM_024426.6 (MANE Select); coding-DNA position 825, C replaced by G.
Protein change: p.Cys275Trp; replaces cysteine 275 with tryptophan.
Molecular consequence: missense variant. On other transcripts: non-coding transcript variant (1).
Genome position (GRCh38, 1-based): chr11:32,428,018, G>C on the plus strand (C>G on the coding strand, the complement: WT1 is on the minus strand). VCF-style: chr11-32428018-G-C. GRCh37 (hg19) VCF-style: chr11-32449564-G-C.
Other names: c.825C>G, p.Cys275Trp (NM_000378.6, NM_001407044.1, NM_001407045.1 and 4 more transcripts); c.174C>G, p.Cys58Trp (NM_001198551.2, NM_001198552.2); c.702C>G, p.Cys234Trp (NM_001407047.1, NM_001407050.1); c.63C>G, p.Cys21Trp (NM_001407051.1); c.810C>G, p.Cys270Trp (NM_024425.2); c.810C>G (NM_024426.4); short protein forms C275W, C58W, C21W, C270W, C234W.
Identifiers: ClinVar variation 1480230 (VCV001480230.8), dbSNP rs200222400, ClinGen allele CA065676.